The following is an entry in ClinVar:

NM_001353788.2(APBA2):c.*7C>T

Gene: APBA2 (amyloid beta precursor protein binding family A member 2; plus strand). Cytogenetic location: 15q13.1.
Variant type: single nucleotide variant.
Coding change: c.*7C>T on transcript NM_001353788.2 (MANE Select); 7 bases downstream of the stop codon, C replaced by T.
Molecular consequence: 3 prime UTR variant.
Genome position (GRCh38, 1-based): chr15:29,117,140, C>T. VCF-style: chr15-29117140-C-T. GRCh37 (hg19) VCF-style: chr15-29409343-C-T.
Other names: c.*7C>T (NM_001130414.1, NM_001353789.2, NM_001353790.2 and 8 more transcripts).
Identifiers: ClinVar variation 3043642 (VCV003043642.2), dbSNP rs752408604, ClinGen allele CA7445785.

ClinVar aggregate classification (germline): Likely benign (0 of 4 stars; one submission).

Conditions:
APBA2-related disorder. Also called: APBA2-related condition.

Allele frequency attached by ClinVar (database versions not stated): TOPMed 0.00003.
gnomAD v4.1: 30 of 1,612,650 alleles (0.0019%); highest among the groups gnomAD compares: Non-Finnish European, 0.0023%; no homozygotes.

Submission:

PreventionGenetics, part of Exact Sciences
Classification: Likely benign for APBA2-related condition. Last evaluated: 2019-06-06. Review status: no assertion criteria provided. Collection method: clinical testing. Allele origin: germline.
Comment: This variant is classified as likely benign based on ACMG/AMP sequence variant interpretation guidelines (Richards et al. 2015 PMID: 25741868, with internal and published modifications).